The following is an entry in ClinVar:

ClinVar aggregate classification (germline): Likely pathogenic (1 of 4 stars; one submission).

Conditions:
Long chain 3-hydroxyacyl-CoA dehydrogenase deficiency. Also called: LCHAD Deficiency; Deficiency of long-chain 3-hydroxyacyl-coenzyme A dehydrogenase. Identifiers: Orphanet 5, MedGen C3711645, MONDO:0012173, OMIM 609016.

Submission:

Myriad Genetics, Inc.
Classification: Likely pathogenic for Long chain 3-hydroxyacyl-CoA dehydrogenase deficiency. Last evaluated: 2019-11-06. Review status: criteria provided, single submitter. Criteria: Myriad Autosomal Dominant, Autosomal Recessive and X-Linked Classification Criteria (2023). Collection method: clinical testing. Allele origin: unknown.
Comment: NM_000182.4(HADHA):c.859G>T(E287*) is expected to be pathogenic in the context of HADHA-related disorders. This variant is predicted to lead to an abnormal or absent protein product due to the creation of a premature termination codon in HADHA, a gene where loss-of-function variants are known to be pathogenic. Please note: this variant was assessed in the context of healthy population screening.

NM_000182.5(HADHA):c.859G>T (p.Glu287Ter)

Gene: HADHA (hydroxyacyl-CoA dehydrogenase trifunctional multienzyme complex subunit alpha; minus strand). Cytogenetic location: 2p23.3.
Variant type: single nucleotide variant.
Coding change: c.859G>T on transcript NM_000182.5 (MANE Select); coding-DNA position 859, G replaced by T.
Protein change: p.Glu287Ter; replaces glutamic acid 287 with a stop codon.
Molecular consequence: nonsense.
Genome position (GRCh38, 1-based): chr2:26,214,502, C>A on the plus strand (G>T on the coding strand, the complement: HADHA is on the minus strand). VCF-style: chr2-26214502-C-A. GRCh37 (hg19) VCF-style: chr2-26437371-C-A.
Other names: short protein forms E287*.
Identifiers: ClinVar variation 983587 (VCV000983587.4), dbSNP rs1670172615, ClinGen allele CA346091297.